The following is an entry in ClinVar:

ClinVar aggregate classification (germline): Uncertain significance (1 of 4 stars; one submission).

Submission:

Labcorp Genetics (formerly Invitae), Labcorp
Classification: Uncertain significance. Last evaluated: 2025-04-11. Review status: criteria provided, single submitter. Criteria: Invitae Variant Classification Sherloc (09022015). Collection method: clinical testing. Allele origin: germline.
Comment: This sequence change replaces proline, which is neutral and non-polar, with leucine, which is neutral and non-polar, at codon 261 of the IRF2BP2 protein (p.Pro261Leu). This variant is not present in population databases (gnomAD no frequency). This variant has not been reported in the literature in individuals affected with IRF2BP2-related conditions. An algorithm developed to predict the effect of missense changes on protein structure and function (PolyPhen-2) suggests that this variant is likely to be tolerated. In summary, the available evidence is currently insufficient to determine the role of this variant in disease. Therefore, it has been classified as a Variant of Uncertain Significance.

NM_182972.3(IRF2BP2):c.782C>T (p.Pro261Leu)

Gene: IRF2BP2 (interferon regulatory factor 2 binding protein 2; minus strand). Cytogenetic location: 1q42.3.
Variant type: single nucleotide variant.
Coding change: c.782C>T on transcript NM_182972.3 (MANE Select); coding-DNA position 782, C replaced by T.
Protein change: p.Pro261Leu; replaces proline 261 with leucine.
Molecular consequence: missense variant.
Genome position (GRCh38, 1-based): chr1:234,608,713, G>A on the plus strand (C>T on the coding strand, the complement: IRF2BP2 is on the minus strand). VCF-style: chr1-234608713-G-A. GRCh37 (hg19) VCF-style: chr1-234744459-G-A.
Other names: c.782C>T, p.Pro261Leu (NM_001077397.1); short protein forms P261L.
Identifiers: ClinVar variation 4701120 (VCV004701120.1).
Genomic context (GRCh38, chr1:234,608,713, plus strand): 5'-TCGGCGGCCCCGGCCGCGGTGGACAGGCTGTCGGCCGGGCCCCGGTGCGCAGGCGGCGGC[G>A]GTTGTTTCTCCTTGGCTGCCGCCTCACGCTGCTCGTGCTCCACGGCAGCGCTGCTCGACA-3'
Protein context (NP_892017.2, residues 251-271): QREAAAKEKQ[Pro261Leu]PPPAHRGPAD